The following is an entry in ClinVar:

NM_001370259.2(MEN1):c.1409_1412dup (p.Trp471fs)

Gene: MEN1 (menin 1; minus strand). Cytogenetic location: 11q13.1.
Variant type: Duplication.
Coding change: c.1409_1412dup on transcript NM_001370259.2 (MANE Select); coding-DNA positions 1409 to 1412, 4 bases duplicated (CGTG; older notation c.1409_1412dupCGTG).
Protein change: p.Trp471fs; shifts the reading frame from tryptophan 471.
Molecular consequence: frameshift variant. On other transcripts: non-coding transcript variant (4).
Genome position (GRCh38, 1-based): chr11:64,804,755-64,804,758, CACG duplicated on the plus strand (CGTG on the coding strand, the reverse complement: MEN1 is on the minus strand). VCF-style (leftmost placement, unchanged base first): chr11-64804754-C-CCACG. GRCh37 (hg19) VCF-style: chr11-64572226-C-CCACG.
Other names: c.1424_1427dup, p.Trp476fs (NM_000244.4, NM_001407145.1, NM_130800.3 and 4 more transcripts); c.1535_1538dup, p.Trp513fs (NM_001370251.2, NM_001407142.1, NM_001407143.1 and 1 more transcripts); c.1409_1412dup, p.Trp471fs (NM_001370260.2, NM_001370261.2, NM_001407146.1 and 2 more transcripts); c.1304_1307dup, p.Trp436fs (NM_001370262.2, NM_001370263.2, NM_001407148.1 and 1 more transcripts); c.1550_1553dup, p.Trp518fs (NM_001407150.1); c.1430_1433dup, p.Trp478fs (NM_001407151.1); c.1244_1247dup, p.Trp416fs (NM_001407152.1); short protein forms W436fs, W471fs, W416fs, W518fs, W476fs, W513fs, W478fs.
Identifiers: ClinVar variation 3729174 (VCV003729174.2).
Genomic context (GRCh38, chr11:64,804,754, plus strand): 5'-CTCCTCTGGCTTGGACTCCCGCCGTGGGCCCCGCCGCCGGCCTTCCCGGGCTTCCTCGCC[C>CCACG]CACGGCTCCTCGGCCTCGGCCGCCTCGGCCTCTCGGCTCACTATGCGCACCTTCTGCCGC-3'

ClinVar aggregate classification (germline): Pathogenic (1 of 4 stars; one submission).

Conditions:
Multiple endocrine neoplasia, type 1 (MEN1). Also called: MEN I; WERMER SYNDROME; Endocrine adenomatosis multiple; MEN 1; MEA I. Identifiers: Orphanet 652, MedGen C0025267, MeSH D018761, MONDO:0007540, OMIM 131100.

Submission:

Labcorp Genetics (formerly Invitae), Labcorp
Classification: Pathogenic for Multiple endocrine neoplasia, type 1. Last evaluated: 2025-12-19. Review status: criteria provided, single submitter. Criteria: Invitae Variant Classification Sherloc (09022015). Collection method: clinical testing. Allele origin: germline.
Comment: This sequence change creates a premature translational stop signal (p.Trp471Cysfs*61) in the MEN1 gene. While this is not anticipated to result in nonsense mediated decay, it is expected to disrupt the last 140 amino acid(s) of the MEN1 protein. This variant is not present in population databases (gnomAD no frequency). This variant has not been reported in the literature in individuals affected with MEN1-related conditions. ClinVar contains an entry for this variant (Variation ID: 3729174). This variant disrupts a region of the MEN1 protein in which other variant(s) (p.Thr580Argfs*8) have been determined to be pathogenic (internal data). This suggests that this is a clinically significant region of the protein, and that variants that disrupt it are likely to be disease-causing. For these reasons, this variant has been classified as Pathogenic.